The following is an entry in ClinVar:

NM_001166108.2(PALLD):c.2945G>A (p.Gly982Glu)

Genes: PALLD (palladin, cytoskeletal associated protein; plus strand), CBR4 (carbonyl reductase 4; minus strand). Cytogenetic location: 4q32.3.
Variant type: single nucleotide variant.
Coding change: c.2945G>A on transcript NM_001166108.2 (MANE Select); coding-DNA position 2945, G replaced by A.
Protein change: p.Gly982Glu; replaces glycine 982 with glutamic acid.
Molecular consequence: missense variant.
Genome position (GRCh38, 1-based): chr4:168,921,628, G>A. VCF-style: chr4-168921628-G-A. GRCh37 (hg19) VCF-style: chr4-169842779-G-A.
Other names: c.1748G>A, p.Gly583Glu (NM_001166109.2); c.1433G>A, p.Gly478Glu (NM_001166110.2); c.773G>A, p.Gly258Glu (NM_001367567.1, NM_001367569.1); c.824G>A, p.Gly275Glu (NM_001367568.1, NM_001367570.1); c.2894G>A, p.Gly965Glu (NM_016081.4); short protein forms G965E, G258E, G982E, G275E, G478E, G583E.
Identifiers: ClinVar variation 1797338 (VCV001797338.2), dbSNP rs2534193801, ClinGen allele CA358708987.

ClinVar aggregate classification (germline): Uncertain significance (1 of 4 stars; one submission).

Allele frequency attached by ClinVar (database versions not stated): gnomAD exomes 0.00001.
gnomAD v4.1: 8 of 1,610,982 alleles (0.0005%); highest among the groups gnomAD compares: Non-Finnish European, 0.00068%; no homozygotes.

Submission:

Ambry Genetics
Classification: Uncertain significance. Last evaluated: 2022-10-05. Review status: criteria provided, single submitter. Criteria: Ambry Variant Classification Scheme 2023. Collection method: clinical testing. Allele origin: germline.
Comment: The p.G965E variant (also known as c.2894G>A), located in coding exon 16 of the PALLD gene, results from a G to A substitution at nucleotide position 2894. The glycine at codon 965 is replaced by glutamic acid, an amino acid with similar properties. This amino acid position is conserved. In addition, this alteration is predicted to be deleterious by in silico analysis. Since supporting evidence is limited at this time, the clinical significance of this alteration remains unclear.